The following is an entry in ClinVar:

ClinVar aggregate classification (germline): Uncertain significance. Review status: criteria provided, multiple submitters, no conflicts (2 of 4 stars). 3 submissions from 3 submitters: Uncertain significance (3). Last evaluated 2025-10-22.

Conditions:
Inborn genetic diseases. Identifiers: MedGen C0950123, MeSH D030342.
IMAGe syndrome. Also called: Intrauterine growth retardation, metaphyseal dysplasia, adrenal hypoplasia congenita, and genital anomalies; Intrauterine Growth Restriction, Metaphyseal Dysplasia, Adrenal Hypoplasia Congenita, and Genital Anomalies. Identifiers: Orphanet 85173, MedGen C1846009, MONDO:0013873, OMIM 614732.
Beckwith-Wiedemann syndrome (BWS). Also called: Exomphalos macroglossia gigantism syndrome; EMG SYNDROME. Identifiers: Orphanet 116, MedGen C0004903, MONDO:0007534, OMIM 130650.

Submissions (3):

Ambry Genetics
Classification: Uncertain significance for Inborn genetic diseases. Last evaluated: 2025-10-22. Review status: criteria provided, single submitter. Criteria: Ambry Variant Classification Scheme 2023. Collection method: clinical testing. Allele origin: germline.

Labcorp Genetics (formerly Invitae), Labcorp
Classification: Uncertain significance for Beckwith-Wiedemann syndrome. Last evaluated: 2024-09-18. Review status: criteria provided, single submitter. Criteria: Invitae Variant Classification Sherloc (09022015). Collection method: clinical testing. Allele origin: germline.
Comment: This sequence change replaces proline, which is neutral and non-polar, with glutamine, which is neutral and polar, at codon 36 of the CDKN1C protein (p.Pro36Gln). This variant is not present in population databases (gnomAD no frequency). This variant has not been reported in the literature in individuals affected with CDKN1C-related conditions. ClinVar contains an entry for this variant (Variation ID: 1040684). Invitae Evidence Modeling of protein sequence and biophysical properties (such as structural, functional, and spatial information, amino acid conservation, physicochemical variation, residue mobility, and thermodynamic stability) indicates that this missense variant is not expected to disrupt CDKN1C protein function with a negative predictive value of 80%. In summary, the available evidence is currently insufficient to determine the role of this variant in disease. Therefore, it has been classified as a Variant of Uncertain Significance.

Fulgent Genetics
Classification: Uncertain significance for Beckwith-Wiedemann syndrome; IMAGe syndrome. Last evaluated: 2024-02-03. Review status: criteria provided, single submitter. Criteria: ACMG Guidelines, 2015. Collection method: clinical testing. Allele origin: germline.

NM_001122630.2(CDKN1C):c.74C>A (p.Pro25Gln)

Gene: CDKN1C (cyclin dependent kinase inhibitor 1C; minus strand). Cytogenetic location: 11p15.4.
Variant type: single nucleotide variant.
Coding change: c.74C>A on transcript NM_001122630.2 (MANE Select); coding-DNA position 74, C replaced by A.
Protein change: p.Pro25Gln; replaces proline 25 with glutamine.
Molecular consequence: missense variant.
Genome position (GRCh38, 1-based): chr11:2,885,383, G>T on the plus strand (C>A on the coding strand, the complement: CDKN1C is on the minus strand). VCF-style: chr11-2885383-G-T. GRCh37 (hg19) VCF-style: chr11-2906613-G-T.
Other names: c.107C>A, p.Pro36Gln (NM_000076.2, NM_001362474.2); c.74C>A, p.Pro25Gln (NM_001122631.2, NM_001362475.2); short protein forms P25Q, P36Q.
Identifiers: ClinVar variation 1040684 (VCV001040684.8), dbSNP rs1564930749, ClinGen allele CA379147747.